The following is an entry in ClinVar:

NM_178857.6(RP1L1):c.3802G>T (p.Ala1268Ser)

Gene: RP1L1 (RP1 like 1). Cytogenetic location: 8p23.1.
Variant type: single nucleotide variant.
Coding change: c.3802G>T on transcript NM_178857.6 (MANE Select); coding-DNA position 3802, G replaced by T.
Protein change: p.Ala1268Ser; replaces alanine 1268 with serine.
Molecular consequence: missense variant.
Genome position (GRCh38, 1-based): chr8:10,610,296, C>A on the plus strand (G>T on the coding strand, the complement: RP1L1 is on the minus strand). VCF-style: chr8-10610296-C-A. GRCh37 (hg19) VCF-style: chr8-10467806-C-A.
Other names: short protein forms A1268S.
Identifiers: ClinVar variation 4156224 (VCV004156224.2).

ClinVar aggregate classification (germline): Uncertain significance. Review status: criteria provided, multiple submitters, no conflicts (2 of 4 stars). 2 submissions from 2 submitters: Uncertain significance (2). Last evaluated 2025-12-10.

Conditions:
RP1L1-related disorder. Also called: RP1L1-related condition.
Inborn genetic diseases. Identifiers: MedGen C0950123, MeSH D030342.

gnomAD v4.1: 19 of 1,614,080 alleles (0.0012%); highest among the groups gnomAD compares: East Asian, 0.0089%; no homozygotes.

Submissions (2):

PreventionGenetics, part of Exact Sciences
Classification: Uncertain significance for RP1L1-related condition. Last evaluated: 2025-12-10. Review status: criteria provided, single submitter. Criteria: ACMG Guidelines, 2015. Collection method: clinical testing. Allele origin: germline.
Comment: The RP1L1 c.3802G>T variant is predicted to result in the amino acid substitution p.Ala1268Ser. To our knowledge, this variant has not been reported in the literature. This variant is reported in 0.017% of alleles in individuals of East Asian descent in gnomAD. At this time, the clinical significance of this variant is uncertain due to the absence of conclusive functional and genetic evidence.

Ambry Genetics
Classification: Uncertain significance for Inborn genetic diseases. Last evaluated: 2025-08-06. Review status: criteria provided, single submitter. Criteria: Ambry Variant Classification Scheme 2023. Collection method: clinical testing. Allele origin: germline.